The following is an entry in ClinVar:

ClinVar aggregate classification (germline): Conflicting classifications of pathogenicity. Review status: criteria provided, conflicting classifications (1 of 4 stars). 2 submissions from 2 submitters: Uncertain significance (1); Likely benign (1). Last evaluated 2025-05-14.

Conditions:
Glycogen storage disease IXd (GSD9D). Also called: GSD IXd; Muscle Phosphorylase Kinase Deficiency. Identifiers: Orphanet 715, MedGen C1845151, MONDO:0010362, OMIM 300559.

Allele frequency attached by ClinVar (database versions not stated): gnomAD 0.00001; TOPMed 0.00002; ESP Exome Variant Server 0.00009.
gnomAD v4.1: 38 of 1,203,350 alleles (0.0032%); highest among the groups gnomAD compares: South Asian, 0.012%; no homozygotes.

Submissions (2):

Revvity Omics, Revvity
Classification: Likely benign for Glycogen storage disease IXd. Last evaluated: 2025-05-14. Review status: criteria provided, single submitter. Criteria: ACMG Guidelines, 2015. Collection method: clinical testing. Allele origin: germline.

Labcorp Genetics (formerly Invitae), Labcorp
Classification: Uncertain significance for Glycogen storage disease IXd. Last evaluated: 2024-08-12. Review status: criteria provided, single submitter. Criteria: Invitae Variant Classification Sherloc (09022015). Collection method: clinical testing. Allele origin: germline.
Comment: This sequence change replaces glycine, which is neutral and non-polar, with serine, which is neutral and polar, at codon 964 of the PHKA1 protein (p.Gly964Ser). This variant is present in population databases (rs367798015, gnomAD 0.02%). This variant has not been reported in the literature in individuals affected with PHKA1-related conditions. ClinVar contains an entry for this variant (Variation ID: 2179237). Advanced modeling of protein sequence and biophysical properties (such as structural, functional, and spatial information, amino acid conservation, physicochemical variation, residue mobility, and thermodynamic stability) performed at Invitae indicates that this missense variant is expected to disrupt PHKA1 protein function with a positive predictive value of 80%. In summary, the available evidence is currently insufficient to determine the role of this variant in disease. Therefore, it has been classified as a Variant of Uncertain Significance.

NM_002637.4(PHKA1):c.2890G>A (p.Gly964Ser)

Gene: PHKA1 (phosphorylase kinase regulatory subunit alpha 1; minus strand). Cytogenetic location: Xq13.1.
Variant type: single nucleotide variant.
Coding change: c.2890G>A on transcript NM_002637.4 (MANE Select); coding-DNA position 2890, G replaced by A.
Protein change: p.Gly964Ser; replaces glycine 964 with serine.
Molecular consequence: missense variant.
Genome position (GRCh38, 1-based): chrX:72,603,146, C>T on the plus strand (G>A on the coding strand, the complement: PHKA1 is on the minus strand). VCF-style: chrX-72603146-C-T. GRCh37 (hg19) VCF-style: chrX-71822996-C-T.
Other names: c.2890G>A (NM_002637.3); c.2890G>A, p.Gly964Ser (NM_001122670.2); c.2713G>A, p.Gly905Ser (NM_001172436.2); short protein forms G905S, G964S.
Identifiers: ClinVar variation 2179237 (VCV002179237.7), dbSNP rs367798015, ClinGen allele CA10450604.
Genomic context (GRCh38, chrX:72,603,146, plus strand): 5'-GTATGAAATGAAAATGCAGTTATTCAATCTCACCGCTTCGTTCCACTCCAAACTCCTTGC[C>T]GCTGAGAATGTGATGCAGGAGATTCTTCATGGCCGAAGGACTGAGATTCATCAGGCCCTC-3'
Protein context (NP_002628.2, residues 954-974): MKNLLHHILS[Gly964Ser]KEFGVERSVR